The following is an entry in ClinVar:

ClinVar aggregate classification (germline): Pathogenic. Review status: criteria provided, multiple submitters, no conflicts (2 of 4 stars). 2 submissions from 2 submitters: Pathogenic (2). Last evaluated 2021-08-31.

Conditions:
CHARGE syndrome (CHARGE). Also called: CHARGE ASSOCIATION--COLOBOMA, HEART ANOMALY, CHOANAL ATRESIA, RETARDATION, GENITAL AND EAR ANOMALIES; Coloboma, heart anomaly, choanal atresia, retardation, genital and ear anomalies; CHARGE association; Hall-Hittner syndrome; Hittner Hirsch Kreh syndrome. Identifiers: Orphanet 138, MedGen C0265354, MONDO:0008965.

Submissions (2):

Labcorp Genetics (formerly Invitae), Labcorp
Classification: Pathogenic for CHARGE syndrome. Last evaluated: 2021-08-31. Review status: criteria provided, single submitter. Criteria: Invitae Variant Classification Sherloc (09022015). Collection method: clinical testing. Allele origin: germline.

GeneDx
Classification: Pathogenic. Last evaluated: 2015-05-19. Review status: criteria provided, single submitter. Criteria: GeneDx Variant Classification (06012015). Collection method: clinical testing. Allele origin: germline. Affected: yes.
Comment: The Y390X nonsense variant in the CHD7 gene has been reported previously in association with CHARGEsyndrome (Janssen et al., 2012). It was notobserved in approximately 6,500 individuals of European and African American ancestry in the NHLBI ExomeSequencing Project, indicating it is not a common benign variant in these populations. In addition, thisvariant is predicted to cause loss of normal protein function either through protein truncation or nonsense-mediated mRNA decay. Therefore, we consider Y390X to be a pathogenic variant

NM_017780.4(CHD7):c.1170T>G (p.Tyr390Ter)

Gene: CHD7 (chromodomain helicase DNA binding protein 7; plus strand). Cytogenetic location: 8q12.2.
Variant type: single nucleotide variant.
Coding change: c.1170T>G on transcript NM_017780.4 (MANE Select); coding-DNA position 1170, T replaced by G.
Protein change: p.Tyr390Ter; replaces tyrosine 390 with a stop codon.
Molecular consequence: nonsense.
Genome position (GRCh38, 1-based): chr8:60,742,602, T>G. VCF-style: chr8-60742602-T-G. GRCh37 (hg19) VCF-style: chr8-61655161-T-G.
Other names: c.1170T>G (LRG_176t1); c.1170T>G, p.Tyr390Ter (NM_001316690.1); short protein forms Y390*.
Identifiers: ClinVar variation 379836 (VCV000379836.6), dbSNP rs554737227, ClinGen allele CA16606129.